The following is an entry in ClinVar:

ClinVar aggregate classification (germline): Pathogenic (1 of 4 stars; one submission).

Submission:

Labcorp Genetics (formerly Invitae), Labcorp
Classification: Pathogenic. Last evaluated: 2025-11-11. Review status: criteria provided, single submitter. Criteria: Invitae Variant Classification Sherloc (09022015). Collection method: clinical testing. Allele origin: germline.
Comment: This sequence change creates a premature translational stop signal (p.Met920Valfs*59) in the AARS2 gene. While this is not anticipated to result in nonsense mediated decay, it is expected to disrupt the last 66 amino acid(s) of the AARS2 protein. This variant is not present in population databases (gnomAD no frequency). This variant has not been reported in the literature in individuals affected with AARS2-related conditions. This variant disrupts a region of the AARS2 protein in which other variant(s) (p.Arg958*) have been determined to be pathogenic (PMID: 29440775; internal data). This suggests that this is a clinically significant region of the protein, and that variants that disrupt it are likely to be disease-causing. For these reasons, this variant has been classified as Pathogenic.

Literature cited by the submitters: PubMed 29440775.

NM_020745.4(AARS2):c.2730_2757dup (p.Met920fs)

Gene: AARS2 (alanyl-tRNA synthetase 2, mitochondrial; minus strand). Cytogenetic location: 6p21.1.
Variant type: Duplication.
Coding change: c.2730_2757dup on transcript NM_020745.4 (MANE Select); coding-DNA positions 2730 to 2757, 28 bases duplicated (GTCTGTGCTCCTACTCAGCCCCCAGCCC).
Protein change: p.Met920fs; shifts the reading frame from methionine 920.
Molecular consequence: frameshift variant.
Genome position (GRCh38, 1-based): chr6:44,301,192-44,301,219, GGGCTGGGGGCTGAGTAGGAGCACAGAC duplicated on the plus strand (GTCTGTGCTCCTACTCAGCCCCCAGCCC on the coding strand, the reverse complement: AARS2 is on the minus strand); duplicating any 28 consecutive bases within chr6:44,301,192-44,301,220 gives the same sequence; the c. name uses the placement nearest the transcript's 3' end. VCF-style (leftmost placement, unchanged base first): chr6-44301191-T-TGGGCTGGGGGCTGAGTAGGAGCACAGAC. GRCh37 (hg19) VCF-style: chr6-44268928-T-TGGGCTGGGGGCTGAGTAGGAGCACAGAC.
Other names: short protein forms M920fs.
Identifiers: ClinVar variation 4730248 (VCV004730248.1).